The following is an entry in ClinVar:

NM_001292063.2(OTOG):c.1645-1G>A

Gene: OTOG (otogelin; plus strand). Cytogenetic location: 11p15.1.
Variant type: single nucleotide variant.
Coding change: c.1645-1G>A on transcript NM_001292063.2 (MANE Select); the canonical splice acceptor site of the intron before coding-DNA position 1645, G replaced by A.
Molecular consequence: splice acceptor variant.
Genome position (GRCh38, 1-based): chr11:17,569,155, G>A. VCF-style: chr11-17569155-G-A. GRCh37 (hg19) VCF-style: chr11-17590702-G-A.
Other names: c.1681-1G>A (NM_001277269.2).
Identifiers: ClinVar variation 3620857 (VCV003620857.2).

ClinVar aggregate classification (germline): Likely pathogenic (1 of 4 stars; one submission).

gnomAD v4.1: 7 of 1,550,500 alleles (0.00045%); highest among the groups gnomAD compares: African/African-American, 0.0014%; no homozygotes.

Submission:

Labcorp Genetics (formerly Invitae), Labcorp
Classification: Likely pathogenic. Last evaluated: 2024-10-24. Review status: criteria provided, single submitter. Criteria: Invitae Variant Classification Sherloc (09022015). Collection method: clinical testing. Allele origin: germline.
Comment: This sequence change affects an acceptor splice site in intron 14 of the OTOG gene. It is expected to disrupt RNA splicing. Variants that disrupt the donor or acceptor splice site typically lead to a loss of protein function (PMID: 16199547), and loss-of-function variants in OTOG are known to be pathogenic (PMID: 23122587). This variant is not present in population databases (gnomAD no frequency). This variant has not been reported in the literature in individuals affected with OTOG-related conditions. Algorithms developed to predict the effect of sequence changes on RNA splicing suggest that this variant may disrupt the consensus splice site. In summary, the currently available evidence indicates that the variant is pathogenic, but additional data are needed to prove that conclusively. Therefore, this variant has been classified as Likely Pathogenic.

Literature cited by the submitters: PubMed 16199547; PubMed 23122587.